The following is an entry in ClinVar:

NM_000038.6(APC):c.4033G>A (p.Glu1345Lys)

Gene: APC (APC regulator of Wnt signaling pathway; plus strand). Cytogenetic location: 5q22.2.
Variant type: single nucleotide variant.
Coding change: c.4033G>A on transcript NM_000038.6 (MANE Select); coding-DNA position 4033, G replaced by A.
Protein change: p.Glu1345Lys; replaces glutamic acid 1345 with lysine.
Molecular consequence: missense variant.
Genome position (GRCh38, 1-based): chr5:112,839,627, G>A. VCF-style: chr5-112839627-G-A. GRCh37 (hg19) VCF-style: chr5-112175324-G-A.
Other names: c.4033G>A, p.Glu1345Lys (NM_001127510.3, NM_001354895.2); c.3979G>A, p.Glu1327Lys (NM_001127511.3); c.4087G>A, p.Glu1363Lys (NM_001354896.2); c.4063G>A, p.Glu1355Lys (NM_001354897.2); c.3958G>A, p.Glu1320Lys (NM_001354898.2); c.3949G>A, p.Glu1317Lys (NM_001354899.2); c.3910G>A, p.Glu1304Lys (NM_001354900.2); c.3856G>A, p.Glu1286Lys (NM_001354901.2); and 5 more; short protein forms E1244K, E1254K, E1345K, E1304K, E1320K, E1363K, E1219K, E1327K.
Identifiers: ClinVar variation 971391 (VCV000971391.11), dbSNP rs1211642532, ClinGen allele CA16030170.

ClinVar aggregate classification (germline): Uncertain significance (1 of 4 stars; one submission).

Conditions:
Familial adenomatous polyposis 1 (FAP1). Also called: FAMILIAL ADENOMATOUS POLYPOSIS 1, ATTENUATED; POLYPOSIS, ADENOMATOUS INTESTINAL. Identifiers: MedGen C2713442, MONDO:0021056, OMIM 175100. Disease mechanism: loss of function.

Submission:

Labcorp Genetics (formerly Invitae), Labcorp
Classification: Uncertain significance for Familial adenomatous polyposis 1. Last evaluated: 2019-10-22. Review status: criteria provided, single submitter. Criteria: Invitae Variant Classification Sherloc (09022015). Collection method: clinical testing. Allele origin: germline.
Comment: This sequence change replaces glutamic acid with lysine at codon 1345 of the APC protein (p.Glu1345Lys). The glutamic acid residue is moderately conserved and there is a small physicochemical difference between glutamic acid and lysine. This variant is not present in population databases (ExAC no frequency). This variant has not been reported in the literature in individuals with APC-related conditions. Algorithms developed to predict the effect of missense changes on protein structure and function are either unavailable or do not agree on the potential impact of this missense change (SIFT: "Deleterious"; PolyPhen-2: "Benign"; Align-GVGD: "Class C15"). In summary, the available evidence is currently insufficient to determine the role of this variant in disease. Therefore, it has been classified as a Variant of Uncertain Significance.